The following is an entry in ClinVar:

ClinVar aggregate classification (germline): Likely benign (1 of 4 stars; one submission).

Submission:

CeGaT Center for Human Genetics Tuebingen
Classification: Likely benign. Last evaluated: 2025-11-01. Review status: criteria provided, single submitter. Criteria: CeGaT Center For Human Genetics Tuebingen Variant Classification Criteria Version 2. Collection method: clinical testing. Allele origin: germline. Affected: yes. Observed: 1 variant allele.
Comment: SBSN: PM2:Supporting, BP4, BP7

NM_001166034.2(SBSN):c.834T>C (p.Phe278=)

Gene: SBSN (suprabasin; minus strand). Cytogenetic location: 19q13.12.
Variant type: single nucleotide variant.
Coding change: c.834T>C on transcript NM_001166034.2 (MANE Select); coding-DNA position 834, T replaced by C.
Protein change: p.Phe278=; no amino-acid change (phenylalanine 278 retained).
Molecular consequence: synonymous variant. On other transcripts: intron variant (2).
Genome position (GRCh38, 1-based): chr19:35,527,448, A>G on the plus strand (T>C on the coding strand, the complement: SBSN is on the minus strand). VCF-style: chr19-35527448-A-G. GRCh37 (hg19) VCF-style: chr19-36018350-A-G.
Other names: c.375+459T>C (NM_001166035.2, NM_198538.4).
Identifiers: ClinVar variation 4534237 (VCV004534237.6).